The following is an entry in ClinVar:

NM_001267550.2(TTN):c.28262C>T (p.Thr9421Met)

Gene: TTN (titin; minus strand). Cytogenetic location: 2q31.2.
Variant type: single nucleotide variant.
Coding change: c.28262C>T on transcript NM_001267550.2 (MANE Select); coding-DNA position 28262, C replaced by T.
Protein change: p.Thr9421Met; replaces threonine 9421 with methionine.
Molecular consequence: missense variant. On other transcripts: intron variant (3).
Genome position (GRCh38, 1-based): chr2:178,710,835, G>A on the plus strand (C>T on the coding strand, the complement: TTN is on the minus strand). VCF-style: chr2-178710835-G-A. GRCh37 (hg19) VCF-style: chr2-179575562-G-A.
Other names: c.27311C>T, p.Thr9104Met (NM_001256850.1); c.24530C>T, p.Thr8177Met (NM_133378.4); c.13282+27247C>T (NM_003319.4); c.13858+27247C>T (NM_133437.4); c.13657+27247C>T (NM_133432.3); short protein forms T8177M, T9421M, T9104M.
Identifiers: ClinVar variation 192002 (VCV000192002.23), dbSNP rs375209383, ClinGen allele CA238072.

ClinVar aggregate classification (germline): Conflicting classifications of pathogenicity. Review status: criteria provided, conflicting classifications (1 of 4 stars). 6 submissions from 6 submitters: Uncertain significance (4); Likely benign (2). Last evaluated 2024-09-03.

Conditions:
Autosomal recessive limb-girdle muscular dystrophy type 2J (LGMDR10). Also called: MUSCULAR DYSTROPHY, LIMB-GIRDLE, AUTOSOMAL RECESSIVE 10; Limb-girdle muscular dystrophy, type 2J. Identifiers: Orphanet 140922, MedGen C1837342, MONDO:0012127, OMIM 608807.
Dilated cardiomyopathy 1G (CMD1G). Identifiers: Orphanet 154, MedGen C1858763, MONDO:0011400, OMIM 604145.

Allele frequency attached by ClinVar (database versions not stated): gnomAD 0.00003 and 0.00005; gnomAD exomes 0.00007 and 0.00009; ESP Exome Variant Server 0.00008; TOPMed 0.00008; ExAC 0.00011.

Submissions (6):

Blueprint Genetics
Classification: Likely benign. Last evaluated: 2024-09-03. Review status: criteria provided, single submitter. Criteria: ACMG Guidelines, 2015. Collection method: clinical testing. Allele origin: germline.

Revvity Omics, Revvity
Classification: Uncertain significance. Last evaluated: 2019-07-08. Review status: criteria provided, single submitter. Criteria: ACMG Guidelines, 2015. Collection method: clinical testing. Allele origin: germline.

GeneDx
Classification: Likely benign. Last evaluated: 2018-02-28. Review status: criteria provided, single submitter. Criteria: GeneDx Variant Classification (06012015). Collection method: clinical testing. Allele origin: germline. Affected: yes.
Comment: This variant is considered likely benign or benign based on one or more of the following criteria: it is a conservative change, it occurs at a poorly conserved position in the protein, it is predicted to be benign by multiple in silico algorithms, and/or has population frequency not consistent with disease.

Labcorp Genetics (formerly Invitae), Labcorp
Classification: Uncertain significance for Dilated cardiomyopathy 1G; Autosomal recessive limb-girdle muscular dystrophy type 2J. Last evaluated: 2017-10-13. Review status: criteria provided, single submitter. Criteria: Invitae Variant Classification Sherloc (09022015). Collection method: clinical testing. Allele origin: germline.

Eurofins Ntd Llc (ga)
Classification: Uncertain significance. Last evaluated: 2016-09-29. Review status: criteria provided, single submitter. Criteria: EGL Classification Definitions 2015. Collection method: clinical testing. Allele origin: germline. Observed: 4 variant alleles, 4 heterozygotes.

Biesecker Lab/Clinical Genomics Section, National Institutes of Health
Classification: Uncertain significance. Last evaluated: 2013-06-24. Review status: criteria provided, single submitter. Criteria: Ng et al. (Circ Cardiovasc Genet. 2013). Collection method: research. Allele origin: unknown. Observed: 1 variant allele. Study: ClinSeq.
Comment: The study set was not selected for affection status in relation to any cancer. Pathogenicity categories were based on literature curation. See Pubmed ID:23861362 for details.

Medical sequencing